The following is an entry in ClinVar:

NM_000815.5(GABRD):c.332T>G (p.Leu111Arg)

Gene: GABRD (gamma-aminobutyric acid type A receptor subunit delta; plus strand). Cytogenetic location: 1p36.33.
Variant type: single nucleotide variant.
Coding change: c.332T>G on transcript NM_000815.5 (MANE Select); coding-DNA position 332, T replaced by G.
Protein change: p.Leu111Arg; replaces leucine 111 with arginine.
Molecular consequence: missense variant.
Genome position (GRCh38, 1-based): chr1:2,025,600, T>G. VCF-style: chr1-2025600-T-G. GRCh37 (hg19) VCF-style: chr1-1957039-T-G.
Other names: short protein forms L111R.
Identifiers: ClinVar variation 1056256 (VCV001056256.9), dbSNP rs2102147878, ClinGen allele CA337957055.

ClinVar aggregate classification (germline): Uncertain significance (1 of 4 stars; one submission).

Conditions:
Idiopathic generalized epilepsy. Also called: EIG; Generalised epilepsy. Identifiers: MedGen C0270850, MONDO:0005579, OMIM 600669.

Submission:

Labcorp Genetics (formerly Invitae), Labcorp
Classification: Uncertain significance for Idiopathic generalized epilepsy. Last evaluated: 2026-01-12. Review status: criteria provided, single submitter. Criteria: Invitae Variant Classification Sherloc (09022015). Collection method: clinical testing. Allele origin: germline.
Comment: This sequence change replaces leucine, which is neutral and non-polar, with arginine, which is basic and polar, at codon 111 of the GABRD protein (p.Leu111Arg). This variant is not present in population databases (gnomAD no frequency). This variant has not been reported in the literature in individuals affected with GABRD-related conditions. ClinVar contains an entry for this variant (Variation ID: 1056256). An algorithm developed to predict the effect of missense changes on protein structure and function (PolyPhen-2) suggests that this variant is likely to be disruptive. In summary, the available evidence is currently insufficient to determine the role of this variant in disease. Therefore, it has been classified as a Variant of Uncertain Significance.